The following is an entry in ClinVar:

ClinVar aggregate classification (germline): Uncertain significance (1 of 4 stars; one submission).

Submission:

Labcorp Genetics (formerly Invitae), Labcorp
Classification: Uncertain significance. Last evaluated: 2024-02-23. Review status: criteria provided, single submitter. Criteria: Invitae Variant Classification Sherloc (09022015). Collection method: clinical testing. Allele origin: germline.
Comment: This sequence change replaces arginine, which is basic and polar, with tryptophan, which is neutral and slightly polar, at codon 247 of the NEDD4L protein (p.Arg247Trp). This variant is present in population databases (rs771932025, gnomAD 0.02%). This variant has not been reported in the literature in individuals affected with NEDD4L-related conditions. Advanced modeling of protein sequence and biophysical properties (such as structural, functional, and spatial information, amino acid conservation, physicochemical variation, residue mobility, and thermodynamic stability) performed at Invitae indicates that this missense variant is not expected to disrupt NEDD4L protein function with a negative predictive value of 80%. In summary, the available evidence is currently insufficient to determine the role of this variant in disease. Therefore, it has been classified as a Variant of Uncertain Significance.

NM_001144967.3(NEDD4L):c.739C>T (p.Arg247Trp)

Gene: NEDD4L (NEDD4 like E3 ubiquitin protein ligase; plus strand). Cytogenetic location: 18q21.31.
Variant type: single nucleotide variant.
Coding change: c.739C>T on transcript NM_001144967.3 (MANE Select); coding-DNA position 739, C replaced by T.
Protein change: p.Arg247Trp; replaces arginine 247 with tryptophan.
Molecular consequence: missense variant.
Genome position (GRCh38, 1-based): chr18:58,329,053, C>T. VCF-style: chr18-58329053-C-T. GRCh37 (hg19) VCF-style: chr18-55996285-C-T.
Other names: c.376C>T, p.Arg126Trp (NM_001144964.1, NM_001144965.2, NM_001144966.3 and 2 more transcripts); c.715C>T, p.Arg239Trp (NM_001144968.2, NM_001144969.2); c.739C>T, p.Arg247Trp (NM_001243960.2, NM_015277.6); short protein forms R126W, R247W, R239W.
Identifiers: ClinVar variation 2895421 (VCV002895421.3), dbSNP rs771932025, ClinGen allele CA8975456.